The following is an entry in ClinVar:

ClinVar aggregate classification (germline): Likely pathogenic. Review status: criteria provided, multiple submitters, no conflicts (2 of 4 stars). 4 submissions from 4 submitters: Likely pathogenic (4). Last evaluated 2025-01-27.

Conditions:
Hereditary von Willebrand disease. Identifiers: Orphanet 903, MedGen C5703318, MONDO:0019565. Inheritance: Autosomal recessive or Autosomal dominant.
von Willebrand disease type 2 (VWD2). Also called: VWD, TYPE 2; VON WILLEBRAND DISEASE, TYPE 2A/IIE; VON WILLEBRAND DISEASE, TYPE 2CB; VON WILLEBRAND DISEASE, TYPE II. Identifiers: Orphanet 166081, Orphanet 903, MedGen C1264040, MONDO:0013304, OMIM 613554.

Allele frequency attached by ClinVar (database versions not stated): gnomAD exomes below 0.00001; TOPMed below 0.00001; gnomAD 0.00001.
gnomAD v4.1: 6 of 1,613,592 alleles (0.00037%); highest among the groups gnomAD compares: Non-Finnish European, 0.00051%; no homozygotes.

Submissions (4):

Victorian Clinical Genetics Services, Murdoch Childrens Research Institute
Classification: Likely pathogenic for Hereditary von Willebrand disease. Last evaluated: 2025-01-27. Review status: criteria provided, single submitter. Criteria: ACMG Guidelines, 2015. Collection method: clinical testing. Allele origin: germline.
Comment: This variant is classified as Likely pathogenic. Evidence in support of pathogenic classification: Variant is present in gnomAD <0.01 (v4: 6 heterozygote(s), 0 homozygote(s)); This variant has moderate previous evidence of pathogenicity in unrelated individuals. This variant has been classified as likely pathogenic by a clinical laboratory in ClinVar and reported in individuals with von Willebrand disease, type 2A, or coagulation disorders (PMID: 31064749, 24598842, VKGL personal communication); This variant has moderate functional evidence supporting abnormal protein function. Plasma from an affected individual as well as transfected HEK293 cells showed this variant lead to a reduction in quantity and size of mature high-molecular-weight multimer, which assemble into VWF, as well as altered VWD intracellular localisation and reduced platelet binding (PMID: 24598842); Missense variant predicted to be damaging by in silico tool(s) or highly conserved with a major amino acid change. Additional information: Variant is predicted to result in a missense amino acid change from leucine to proline; This variant is heterozygous; This gene is associated with both recessive and dominant disease. VWD can be both dominantly and recessively inherited, and is categorised into six different types: 1 (MIM#193400), 2A, 2B, 2M, 2N (MIM#613554) and 3 (MIM#277480); Alternative amino acid change(s) at the same position are present in gnomAD (Highest alelle count: v4: 44 heterozygote(s), 0 homozygote(s)); No published segregation evidence has been identified for this variant; Another missense variant(s) comparable to the one identified in this case has inconclusive previous evidence for pathogenicity. p.(Leu536Phe) has been classified as a VUS by clinical laboratories in ClinVar, and reported in a compound heterozygous individual with haemophilia who also had an F8 variant (PMID: 32190902); Variant is located in the annotated von Willebrand factor type D domain (DECIPHER). - Dominant negative, gain of function and loss of function are known mechanisms of disease in this gene and are associated with von Willebrand disease (VWD) (OMIM, PMID: 30488424); The condition associated with this gene has incomplete penetrance (PMID: 19372260); Variants in this gene are known to have variable expressivity (PMID: 19372260).

Laboratory of Hematology, Radboud University Medical Center
Classification: Likely pathogenic for von Willebrand disease type 2. Last evaluated: 2020-11-28. Review status: criteria provided, single submitter. Criteria: ACMG Guidelines, 2015. Collection method: research. Allele origin: germline. Affected: yes. Observed: 2 variant alleles. Study: WIN study.

NIHR Bioresource Rare Diseases, University of Cambridge
Classification: Likely pathogenic for von Willebrand disorder. Last evaluated: 2019-02-01. Review status: criteria provided, single submitter. Criteria: ACMG Guidelines, 2015. Collection method: research. Allele origin: unknown. Affected: yes. Observed: 1 compound heterozygote. Study: ThromboGenomics.

ISTH-SSC Genomics in Thrombosis and Hemostasis, KU Leuven, Center for Molecular and Vascular Biology
Classification: Likely pathogenic for von Willebrand disease type 2. Review status: criteria provided, single submitter. Criteria: ACMG Guidelines, 2015. Collection method: clinical testing. Allele origin: germline. Affected: yes. Observed: 1 heterozygote.
Comment: Submitted to GoldVariant by Kathleen Freson, Center for Molecular and Vascular Biology, Leuven, Belgium

Literature cited by the submitters: PubMed 30488424 (cited by Victorian Clinical Genetics Services, Murdoch Childrens Research Institute); PubMed 31064749 (cited by Victorian Clinical Genetics Services, Murdoch Childrens Research Institute and NIHR Bioresource Rare Diseases, University of Cambridge); PubMed 32190902 (cited by Victorian Clinical Genetics Services, Murdoch Childrens Research Institute); PubMed 24598842 (cited by Victorian Clinical Genetics Services, Murdoch Childrens Research Institute and ISTH-SSC Genomics in Thrombosis and Hemostasis, KU Leuven, Center for Molecular and Vascular Biology); PubMed 19372260 (cited by Victorian Clinical Genetics Services, Murdoch Childrens Research Institute).

NM_000552.5(VWF):c.1607T>C (p.Leu536Pro)

Gene: VWF (von Willebrand factor; minus strand). Cytogenetic location: 12p13.31.
Variant type: single nucleotide variant.
Coding change: c.1607T>C on transcript NM_000552.5 (MANE Select); coding-DNA position 1607, T replaced by C.
Protein change: p.Leu536Pro; replaces leucine 536 with proline.
Molecular consequence: missense variant.
Genome position (GRCh38, 1-based): chr12:6,057,971, A>G on the plus strand (T>C on the coding strand, the complement: VWF is on the minus strand). VCF-style: chr12-6057971-A-G. GRCh37 (hg19) VCF-style: chr12-6167137-A-G.
Other names: p.L536P; short protein forms L536P.
Identifiers: ClinVar variation 627250 (VCV000627250.6), dbSNP rs1591890769, ClinGen allele CA383498252.